The following is an entry in ClinVar:

NM_001197104.2(KMT2A):c.8956C>A (p.Pro2986Thr)

Gene: KMT2A (lysine methyltransferase 2A; plus strand). Cytogenetic location: 11q23.3.
Variant type: single nucleotide variant.
Coding change: c.8956C>A on transcript NM_001197104.2 (MANE Select); coding-DNA position 8956, C replaced by A.
Protein change: p.Pro2986Thr; replaces proline 2986 with threonine.
Molecular consequence: missense variant.
Genome position (GRCh38, 1-based): chr11:118,504,848, C>A. VCF-style: chr11-118504848-C-A. GRCh37 (hg19) VCF-style: chr11-118375563-C-A.
Other names: c.9046C>A, p.Pro3016Thr (NM_001412597.1); c.8947C>A, p.Pro2983Thr (NM_005933.4); short protein forms P2986T, P2983T, P3016T.
Identifiers: ClinVar variation 2091448 (VCV002091448.4), dbSNP rs1270633054, ClinGen allele CA382817327.

ClinVar aggregate classification (germline): Uncertain significance (1 of 4 stars; one submission).

Allele frequency attached by ClinVar (database versions not stated): TOPMed below 0.00001; gnomAD 0.00001.
gnomAD v4.1: 4 of 1,613,902 alleles (0.00025%); highest among the groups gnomAD compares: Non-Finnish European, 0.00025%; no homozygotes.

Submission:

Labcorp Genetics (formerly Invitae), Labcorp
Classification: Uncertain significance. Last evaluated: 2024-10-15. Review status: criteria provided, single submitter. Criteria: Invitae Variant Classification Sherloc (09022015). Collection method: clinical testing. Allele origin: germline.
Comment: This sequence change replaces proline, which is neutral and non-polar, with threonine, which is neutral and polar, at codon 2986 of the KMT2A protein (p.Pro2986Thr). This variant is not present in population databases (gnomAD no frequency). This variant has not been reported in the literature in individuals affected with KMT2A-related conditions. ClinVar contains an entry for this variant (Variation ID: 2091448). Invitae Evidence Modeling of protein sequence and biophysical properties (such as structural, functional, and spatial information, amino acid conservation, physicochemical variation, residue mobility, and thermodynamic stability) indicates that this missense variant is not expected to disrupt KMT2A protein function with a negative predictive value of 95%. In summary, the available evidence is currently insufficient to determine the role of this variant in disease. Therefore, it has been classified as a Variant of Uncertain Significance.